The following is an entry in ClinVar:

NM_001429.4(EP300):c.6754G>T (p.Glu2252Ter)

Gene: EP300 (EP300 lysine acetyltransferase; plus strand). Cytogenetic location: 22q13.2.
Variant type: single nucleotide variant.
Coding change: c.6754G>T on transcript NM_001429.4 (MANE Select); coding-DNA position 6754, G replaced by T.
Protein change: p.Glu2252Ter; replaces glutamic acid 2252 with a stop codon.
Molecular consequence: nonsense.
Genome position (GRCh38, 1-based): chr22:41,178,465, G>T. VCF-style: chr22-41178465-G-T. GRCh37 (hg19) VCF-style: chr22-41574469-G-T.
Other names: c.6676G>T, p.Glu2226Ter (NM_001362843.2); short protein forms E2226*, E2252*.
Identifiers: ClinVar variation 4718826 (VCV004718826.1).

ClinVar aggregate classification (germline): Pathogenic (1 of 4 stars; one submission).

Conditions:
Rubinstein-Taybi syndrome due to EP300 haploinsufficiency. Also called: EP300-Related Rubinstein-Taybi Syndrome; RUBINSTEIN-TAYBI SYNDROME 2. Identifiers: Orphanet 353284, Orphanet 783, MedGen C3150941, MONDO:0013364, OMIM 613684.

Submission:

Labcorp Genetics (formerly Invitae), Labcorp
Classification: Pathogenic for Rubinstein-Taybi syndrome due to EP300 haploinsufficiency. Last evaluated: 2025-05-02. Review status: criteria provided, single submitter. Criteria: Invitae Variant Classification Sherloc (09022015). Collection method: clinical testing. Allele origin: germline.
Comment: This sequence change creates a premature translational stop signal (p.Glu2252*) in the EP300 gene. While this is not anticipated to result in nonsense mediated decay, it is expected to disrupt the last 163 amino acid(s) of the EP300 protein. This variant is not present in population databases (gnomAD no frequency). This variant has not been reported in the literature in individuals affected with EP300-related conditions. This variant disrupts a region of the EP300 protein in which other variant(s) (p.Pro2367Argfs*36) have been determined to be pathogenic (PMID: 17299436). This suggests that this is a clinically significant region of the protein, and that variants that disrupt it are likely to be disease-causing. For these reasons, this variant has been classified as Pathogenic.

Literature cited by the submitters: PubMed 17299436.